The following is an entry in ClinVar:

ClinVar aggregate classification (germline): Likely benign. Review status: criteria provided, multiple submitters, no conflicts (2 of 4 stars). 3 submissions from 3 submitters: Likely benign (3). Last evaluated 2025-12-15.

Conditions:
Ullrich congenital muscular dystrophy 2 (UCMD2). Identifiers: Orphanet 75840, MedGen C4225314, MONDO:0014654, OMIM 616470.
Bethlem myopathy 2 (BTHLM2). Identifiers: Orphanet 536516, Orphanet 610, MedGen C4225313, MONDO:0034022, OMIM 616471.

Allele frequency attached by ClinVar (database versions not stated): gnomAD 0.00003 and 0.00002; TOPMed 0.00008.
gnomAD v4.1: 7 of 1,613,726 alleles (0.00043%); highest among the groups gnomAD compares: Admixed American, 0.0067%; no homozygotes.

Submissions (3):

Labcorp Genetics (formerly Invitae), Labcorp
Classification: Likely benign for Bethlem myopathy 2; Ullrich congenital muscular dystrophy 2. Last evaluated: 2025-12-15. Review status: criteria provided, single submitter. Criteria: Invitae Variant Classification Sherloc (09022015). Collection method: clinical testing. Allele origin: germline.

Mayo Clinic Laboratories, Mayo Clinic
Classification: Likely benign. Last evaluated: 2025-05-26. Review status: criteria provided, single submitter. Criteria: ACMG Guidelines, 2015. Collection method: clinical testing. Allele origin: germline. Observed: 1 variant allele.
Comment: BP4, BP7

GeneDx
Classification: Likely benign. Last evaluated: 2021-05-08. Review status: criteria provided, single submitter. Criteria: GeneDx Variant Classification Process June 2021. Collection method: clinical testing. Allele origin: germline. Affected: yes.

NM_004370.6(COL12A1):c.3033A>C (p.Thr1011=)

Gene: COL12A1 (collagen type XII alpha 1 chain; minus strand). Cytogenetic location: 6q13.
Variant type: single nucleotide variant.
Coding change: c.3033A>C on transcript NM_004370.6 (MANE Select); coding-DNA position 3033, A replaced by C.
Protein change: p.Thr1011=; no amino-acid change (threonine 1011 retained).
Molecular consequence: synonymous variant. On other transcripts: intron variant (1).
Genome position (GRCh38, 1-based): chr6:75,156,474, T>G on the plus strand (A>C on the coding strand, the complement: COL12A1 is on the minus strand). VCF-style: chr6-75156474-T-G. GRCh37 (hg19) VCF-style: chr6-75866190-T-G.
Other names: p.Thr1011=; c.74-3992A>C (NM_080645.3).
Identifiers: ClinVar variation 1095634 (VCV001095634.13), dbSNP rs1424598359, ClinGen allele CA450931559.